The following is an entry in ClinVar:

ClinVar aggregate classification (germline): Likely pathogenic (1 of 4 stars; one submission).

Conditions:
Congenital hyperammonemia, type I. Also called: Carbamoyl phosphate synthetase 1 deficiency; Hyperammonemia due to carbamoyl phosphate synthetase 1 deficiency; CPS 1 deficiency; Carbamyl phosphate synthetase (CPS) deficiency; CPS I DEFICIENCY; Carbamoyl-phosphate synthase I deficiency. Identifiers: Orphanet 147, MedGen C4082171, MONDO:0009376, OMIM 237300.

Submission:

Myriad Genetics, Inc.
Classification: Likely pathogenic for Congenital hyperammonemia, type I. Last evaluated: 2022-02-01. Review status: criteria provided, single submitter. Criteria: Myriad Women's Health Autosomal Recessive and X-Linked Classification Criteria (2021). Collection method: clinical testing. Allele origin: unknown.
Comment: NM_001875.4(CPS1):c.3542_3546del5ins1(V1181Efs*27) is expected to be pathogenic in the context of carbamoylphosphate synthetase I deficiency. This variant is predicted to lead to an abnormal or absent protein product due to the creation of a premature termination codon in CPS1, a gene where loss-of-function variants are known to be pathogenic. Please note: this variant was assessed in the context of healthy population screening.

NM_001875.5(CPS1):c.3542_3546delinsA (p.Val1181fs)

Gene: CPS1 (carbamoyl-phosphate synthase 1; plus strand). Cytogenetic location: 2q34.
Variant type: Indel.
Coding change: c.3542_3546delinsA on transcript NM_001875.5 (MANE Select); coding-DNA positions 3542 to 3546, TTGGC replaced by A.
Protein change: p.Val1181fs; shifts the reading frame from valine 1181.
Molecular consequence: frameshift variant. On other transcripts: non-coding transcript variant (2).
Genome position (GRCh38, 1-based): chr2:210,654,086-210,654,090, TTGGC replaced by A. VCF-style: chr2-210654086-TTGGC-A. GRCh37 (hg19) VCF-style: chr2-211518810-TTGGC-A.
Other names: c.3542_3546delinsA, p.Val1181fs (NM_001122633.3, NM_001369257.1); c.3575_3579delinsA, p.Val1192fs (NM_001369256.1); short protein forms V1181fs, V1192fs.
Identifiers: ClinVar variation 1724191 (VCV001724191.2), dbSNP rs2469311652, ClinGen allele CA2580065528.